The following is an entry in ClinVar:

NM_000152.5(GAA):c.700dup (p.Thr234fs)

Gene: GAA (alpha glucosidase; plus strand). Cytogenetic location: 17q25.3.
Variant type: Duplication.
Coding change: c.700dup on transcript NM_000152.5 (MANE Select); coding-DNA position 700, one base duplicated (A; older notation c.700dupA).
Protein change: p.Thr234fs; shifts the reading frame from threonine 234.
Molecular consequence: frameshift variant.
Genome position (GRCh38, 1-based): chr17:80,107,564, A duplicated. VCF-style (leftmost placement, unchanged base first): chr17-80107563-C-CA. GRCh37 (hg19) VCF-style: chr17-78081362-C-CA.
Other names: c.700dup, p.Thr234fs (NM_001079803.3, NM_001079804.3, NM_001406741.1 and 1 more transcripts); short protein forms T234fs.
Identifiers: ClinVar variation 5011930 (VCV005011930.1).
Genomic context (GRCh38, chr17:80,107,563, plus strand): 5'-AGGCTCGTGTGGCCCCTTGGGTGTGAGCAAGCCTGGCTGGCCTCTGTCCCGCAGGCTGAA[C>CA]ACGACGGTGGCGCCCCTGTTCTTTGCGGACCAGTTCCTTCAGCTGTCCACCTCGCTGCCC-3'

ClinVar aggregate classification (germline): Pathogenic (1 of 4 stars; one submission).

Conditions:
Glycogen storage disease, type II (IOPD). Also called: CARDIOMEGALIA GLYCOGENICA DIFFUSA; GLYCOGENOSIS, GENERALIZED, CARDIAC FORM; GSD II; Glycogen storage disease type 2; Acid maltase deficiency disease; Aglucosidase alfa. Identifiers: Orphanet 365, MedGen C0017921, MONDO:0009290, OMIM 232300.

Submission:

Myriad Genetics, Inc.
Classification: Pathogenic for Glycogen storage disease, type II. Last evaluated: 2023-09-27. Review status: criteria provided, single submitter. Criteria: Myriad Autosomal Dominant, Autosomal Recessive and X-Linked Classification Criteria (2023). Collection method: clinical testing. Allele origin: unknown.
Comment: NM_000152.3(GAA):c.700dupA(T234Nfs*96) is expected to be pathogenic in the context of Pompe disease. This variant is predicted to lead to an abnormal or absent protein product due to the creation of a premature termination codon in GAA, a gene where loss-of-function variants are known to be pathogenic. Please note: this variant was assessed in the context of healthy population screening.